The following is an entry in ClinVar:

NM_000426.4(LAMA2):c.2049_2050del (p.Arg683fs)

Gene: LAMA2 (laminin subunit alpha 2; plus strand). Cytogenetic location: 6q22.33.
Variant type: Microsatellite.
Coding change: c.2049_2050del on transcript NM_000426.4 (MANE Select); coding-DNA positions 2049 to 2050, 2 bases deleted (AG; older notation c.2049_2050delAG).
Protein change: p.Arg683fs; shifts the reading frame from arginine 683.
Molecular consequence: frameshift variant.
Genome position (GRCh38, 1-based): chr6:129,252,248-129,252,249, AG deleted; deleting any 2 consecutive bases within chr6:129,252,244-129,252,249 gives the same sequence; the c. name uses the placement nearest the transcript's 3' end. VCF-style (leftmost placement, unchanged base first): chr6-129252243-AAG-A. GRCh37 (hg19) VCF-style: chr6-129573388-AAG-A.
Other names: c.2049_2050del, p.Arg683fs (NM_001079823.2); c.2045_2046del (NM_000426.3); c.2049_2050delAG (NM_000426.3); c.2045_2046delAG (NM_000426.4); short protein forms R683fs.
Identifiers: ClinVar variation 38340 (VCV000038340.90), dbSNP rs202247790, ClinGen allele CA220750.

ClinVar aggregate classification (germline): Pathogenic/Likely pathogenic. Review status: criteria provided, multiple submitters, no conflicts (2 of 4 stars). 27 submissions from 27 submitters: Pathogenic (19); Likely pathogenic (2). 6 of the submissions do not count toward it. Last evaluated 2026-10-14.

Conditions:
Merosin deficient congenital muscular dystrophy (MDC1A). Also called: Congenital Muscular Dystrophy Type 1A (MDC1A); Congenital merosin-deficient muscular dystrophy 1A. Identifiers: Orphanet 258, MedGen C1263858, MONDO:0011925, OMIM 607855.
Muscular dystrophy, limb-girdle, autosomal recessive 23. Identifiers: Orphanet 565837, MedGen C4748327, MONDO:0029136, OMIM 618138.
LAMA2-related disorder. Also called: LAMA2-related disorders; LAMA2-related condition.
LAMA2-related muscular dystrophy (LAMA2-RD). Also called: Laminin alpha 2-related dystrophy. Identifiers: MedGen C5679788, MONDO:0100228.

Submissions 1 to 15 of 27:

GeneDx
Classification: Pathogenic. Last evaluated: 2026-10-14. Review status: criteria provided, single submitter. Criteria: GeneDx Variant Classification Process June 2021. Collection method: clinical testing. Allele origin: germline.
Comment: Observed multiple times with a second pathogenic variant in unrelated individuals with merosin-deficient congenital muscular dystrophy (PMID: 9541105, 25544356, 24611677); Frameshift variant predicted to result in protein truncation or nonsense mediated decay in a gene for which loss of function is a known mechanism of disease; This variant is associated with the following publications: (PMID: 28133863, 28877744, 18700894, 39843441, 25544356, 9541105, 27886618, 27854218, 28804634, 25663498, 31404137, 32827036, 32528171, 37476021, 24611677, 11591858, 11369186, 28182637, 30055037, 30301903, 37206914, 36057830, 31066047, 34281576, 36945402, 9674786, 37933889, 38747280, 39213089, 38544359, 41188926, 40571342, 20207543, 33558818)

OLLIN Analises Genomicas, OLLIN
Classification: Pathogenic for Muscular dystrophy, limb-girdle, autosomal recessive 23. Last evaluated: 2026-08-06. Review status: criteria provided, single submitter. Criteria: ACMG Guidelines 2015 PMID 25741868. Collection method: clinical testing. Allele origin: germline. Inheritance: Autosomal recessive inheritance.
Comment: This frameshift variant, located in exon 14 (of 65), has been reported in ClinVar (accession VCV000038340.85) and in gnomAD with an allele frequency of 0.014%. However, to our knowledge, it has not been reported in the scientific literature. This variant causes a frameshift and introduces a premature stop codon, which is predicted to result in either a truncated protein or degradation of the mRNA via nonsense-mediated decay (NMD). According to the currently available evidence, this variant has been classified as pathogenic (PVS1, PM2_P, PM3_S).

Institute of Medical Genetics and Genomics, Sir Ganga Ram Hospital
Classification: Likely pathogenic for Merosin deficient congenital muscular dystrophy. Last evaluated: 2026-06-24. Review status: criteria provided, single submitter. Criteria: ACMG Guidelines, 2015. Collection method: clinical testing. Allele origin: germline. Inheritance: Autosomal recessive inheritance. Affected: yes. Observed: 1 variant allele, 1 homozygote.
Comment: A homozygous 2 base deletion identified in LAMA2 gene. This change is present in coding exon 14 of this gene resulting a frameshift event [PVS1]. This frameshift variant is present in the gnomAD (aggregated) database with an allele frequency of 0.0117% [33 heterozygotes, 00 homozygotes] [PM2]. This variant is submitted in clinvar database [Variation ID: 38340] with a pathogenic/likely pathogenic interpretation by multiple submitter [PP5]. This variant is reported in individuals with LAMA2 related muscular dystrophy [PMID:37476021, PMID:32827036]. Based on the available evidences, and phenotypic overlap with the clinical symptoms of the proband, the variant has been classified as “Likely Pathogenic”.

Labcorp Genetics (formerly Invitae), Labcorp
Classification: Pathogenic for LAMA2-related muscular dystrophy. Last evaluated: 2026-01-22. Review status: criteria provided, single submitter. Criteria: Invitae Variant Classification Sherloc (09022015). Collection method: clinical testing. Allele origin: germline.
Comment: This sequence change creates a premature translational stop signal (p.Arg683Serfs*21) in the LAMA2 gene. It is expected to result in an absent or disrupted protein product. Loss-of-function variants in LAMA2 are known to be pathogenic (PMID: 18700894, 32904964). This variant is present in population databases (rs751627052, gnomAD 0.02%). This premature translational stop signal has been observed in individuals with congenital muscular dystrophy (PMID: 9541105, 18700894, 24611677, 25544356). For these reasons, this variant has been classified as Pathogenic.

Dasa
Classification: Pathogenic. Last evaluated: 2025-11-08. Review status: criteria provided, single submitter. Criteria: DASA Assertion Criteria. Collection method: clinical testing. Allele origin: germline.
Comment: NM_000426.4(LAMA2):c.2049_2050del (p.Arg683Serfs*21) is a frameshift variant in LAMA2 predicted to alter the reading frame and introduce a premature termination codon and is predicted to result in an absent or altered protein product. Loss of function is an established disease mechanism for LAMA2-associated disorders. Segregation data support an association with disease in the reported family/families (PMID: 24611677; PMID: 25544356). This variant has been recurrently observed in individuals with LAMA2-related disorders (PMID: 25544356; PMID: 33558818). Also, this variant is rare in population databases. Based on the currently available evidence, this variant is classified as pathogenic.

PreventionGenetics, part of Exact Sciences
Classification: Pathogenic for LAMA2-related condition. Last evaluated: 2025-09-06. Review status: criteria provided, single submitter. Criteria: ACMG Guidelines, 2015. Collection method: clinical testing. Allele origin: germline.
Comment: The LAMA2 c.2049_2050delAG variant is predicted to result in a frameshift and premature protein termination (p.Arg683Serfs*21). This variant has been reported in many patients to be causative for autosomal recessive merosin-deficient congenital muscular dystrophy (Geranmayeh et al. 2010. PubMed ID:20207543; Khodaenia et al. 2021. PubMed ID: 33558818). This variant is reported in 0.016% of alleles in individuals of African descent in gnomAD. Frameshift variants in LAMA2 are expected to be pathogenic. This variant is interpreted as pathogenic.

Rady Children's Institute for Genomic Medicine, Rady Children's Hospital San Diego
Classification: Pathogenic for LAMA2-related disorders. Last evaluated: 2024-10-28. Review status: criteria provided, single submitter. Criteria: ACMG Guidelines, 2015. Collection method: clinical testing. Allele origin: germline. Affected: yes.
Comment: This frameshifting variant in exon 14 of 65 is predicted to result in loss of normal protein function through either protein truncation or nonsense-mediated mRNA decay. Loss-of-function variation in LAMA2 is an established mechanism of disease (PMID: 22675738). This variant has been previously reported as a homozygous and compound heterozygous change in individuals with LAMA2-related disorders (PMID: 3558818, 37476021, 32827036, 25544356, 9541105). The c.2049_2050del (p.Arg683SerfsTer21) variant is present in the latest version of the gnomAD population database at an allele frequency of 0.01% (234/1613960), and is absent in the homozygous state. Based on the available evidence, c.2049_2050del (p.Arg683SerfsTer21) is classified as Pathogenic.

Blueprint Genetics
Classification: Pathogenic for LAMA2-related disorders. Last evaluated: 2024-08-19. Review status: criteria provided, single submitter. Criteria: ACMG Guidelines, 2015. Collection method: clinical testing. Allele origin: germline. Affected: yes. Observed: 5 variant alleles.

Fulgent Genetics
Classification: Pathogenic for Merosin deficient congenital muscular dystrophy; Muscular dystrophy, limb-girdle, autosomal recessive 23. Last evaluated: 2024-06-17. Review status: criteria provided, single submitter. Criteria: ACMG Guidelines, 2015. Collection method: clinical testing. Allele origin: germline.

Revvity Omics, Revvity
Classification: Pathogenic. Last evaluated: 2024-04-01. Review status: criteria provided, single submitter. Criteria: ACMG Guidelines, 2015. Collection method: clinical testing. Allele origin: germline.

Baylor Genetics
Classification: Pathogenic for Merosin deficient congenital muscular dystrophy. Last evaluated: 2024-03-01. Review status: criteria provided, single submitter. Criteria: ACMG Guidelines, 2015. Collection method: clinical testing. Allele origin: unknown.

CeGaT Center for Human Genetics Tuebingen
Classification: Pathogenic. Last evaluated: 2023-07-01. Review status: criteria provided, single submitter. Criteria: CeGaT Center For Human Genetics Tuebingen Variant Classification Criteria Version 2. Collection method: clinical testing. Allele origin: germline. Affected: yes. Observed: 3 variant alleles.
Comment: LAMA2: PM3:Very Strong, PVS1, PM2

MGZ Medical Genetics Center
Classification: Pathogenic for Merosin deficient congenital muscular dystrophy. Last evaluated: 2022-08-17. Review status: criteria provided, single submitter. Criteria: ACMG Guidelines, 2015. Collection method: clinical testing. Allele origin: germline. Affected: yes. Observed: 2 variant alleles.
Comment: ACMG criteria applied: PVS1, PS4_MOD, PM2_SUP, PM3_SUP

3billion
Classification: Pathogenic for Merosin deficient congenital muscular dystrophy. Last evaluated: 2021-10-02. Review status: criteria provided, single submitter. Criteria: ACMG Guidelines, 2015. Collection method: clinical testing. Allele origin: paternal. Affected: yes. Observed: 1 heterozygote.
Comment: Frameshift: predicted to result in a loss or disruption of normal protein function through nonsense-mediated decay (NMD) or protein truncation. Multiple pathogenic variants are reported downstream of the variant (PVS1_VS). It is observed at an extremely low frequency in the gnomAD v2.1.1 dataset (total allele frequency: 0.000116, PM2). The variant has been reported as pathogenic (ClinVar VCV000038340.19). Therefore, this variant is classified as pathogenic according to the recommendation of ACMG/AMP guideline.

Mayo Clinic Laboratories, Mayo Clinic
Classification: Pathogenic. Last evaluated: 2021-08-31. Review status: criteria provided, single submitter. Criteria: ACMG Guidelines, 2015. Collection method: clinical testing. Allele origin: germline.
Comment: PP4, PM2, PM3_strong, PS4_moderate, PVS1